The following is an entry in ClinVar:

ClinVar aggregate classification (germline): Pathogenic (1 of 4 stars; one submission).

Submission:

ISCA site 4
Classification: Pathogenic. Last evaluated: 2011-08-12. Review status: criteria provided, single submitter. Criteria: Kaminsky et al. (Genet Med. 2011). Collection method: clinical testing. Allele origin: de novo. Affected: yes. Observed: 1 variant allele.
Comment: Copy number variation identified through the course of routine clinical cytogenomic testing in postnatal populations. Clinical assertions have been curated as described in Kaminsky et al. 2011.

GRCh38/hg38 16q24.3(chr16:88818756-89413158)x1

Genes: ACSF3 (acyl-CoA synthetase family member 3; plus strand), ANKRD11 (ankyrin repeat domain containing 11; minus strand), CBFA2T3 (CBFA2/RUNX1 partner transcriptional co-repressor 3; minus strand), CDH15 (cadherin 15; plus strand), GALNS (galactosamine (N-acetyl)-6-sulfatase; minus strand) and 74 more. Cytogenetic location: 16q24.3.
Variant type: copy number loss.
Change: copy number 1 (one copy instead of two) of chr16:88,818,756-89,413,158 (594.4 kb, GRCh38 coordinates, 1-based), cytogenetic band 16q24.3.
Identifiers: ClinVar variation 57288 (VCV000057288.1).